The following is an entry in ClinVar:

NM_000138.5(FBN1):c.4080G>T (p.Lys1360Asn)

Gene: FBN1 (fibrillin 1; minus strand). Cytogenetic location: 15q21.1.
Variant type: single nucleotide variant.
Coding change: c.4080G>T on transcript NM_000138.5 (MANE Select); coding-DNA position 4080, G replaced by T.
Protein change: p.Lys1360Asn; replaces lysine 1360 with asparagine.
Molecular consequence: missense variant.
Genome position (GRCh38, 1-based): chr15:48,474,535, C>A on the plus strand (G>T on the coding strand, the complement: FBN1 is on the minus strand). VCF-style: chr15-48474535-C-A. GRCh37 (hg19) VCF-style: chr15-48766732-C-A.
Other names: c.4080G>T, p.Lys1360Asn (NM_001406716.1); short protein forms K1360N.
Identifiers: ClinVar variation 2773348 (VCV002773348.6), dbSNP rs2043404005, ClinGen allele CA392320412.

ClinVar aggregate classification (germline): Uncertain significance. Review status: criteria provided, multiple submitters, no conflicts (2 of 4 stars). 5 submissions from 5 submitters: Uncertain significance (5). Last evaluated 2026-02-15.

Conditions:
Marfan syndrome (MFS). Also called: FBN1-Related Marfan Syndrome; MARFAN SYNDROME, TYPE I; Marfan syndrome type 1; Marfan's syndrome; Marfan syndrome, classic. Identifiers: Orphanet 284963, Orphanet 558, MedGen C0024796, MONDO:0007947, OMIM 154700.
Familial thoracic aortic aneurysm and aortic dissection (TAAD). Also called: Thoracic aortic aneurysms and dissections. Identifiers: Orphanet 91387, MedGen C4707243, MONDO:0019625.

Allele frequency attached by ClinVar (database versions not stated): TOPMed below 0.00001; gnomAD 0.00001.
gnomAD v4.1: 1 of 1,614,060 alleles (0.000062%); highest among the groups gnomAD compares: Non-Finnish European, 0.000085%; no homozygotes.

Submissions (5):

Ambry Genetics
Classification: Uncertain significance for Familial thoracic aortic aneurysm and aortic dissection. Last evaluated: 2026-02-15. Review status: criteria provided, single submitter. Criteria: Ambry Variant Classification Scheme 2023. Collection method: clinical testing. Allele origin: germline.
Comment: The p.K1360N variant (also known as c.4080G>T), located in coding exon 32 of the FBN1 gene, results from a G to T substitution at nucleotide position 4080. The lysine at codon 1360 is replaced by asparagine, an amino acid with similar properties. This amino acid position is conserved. In addition, this alteration is predicted to be tolerated by in silico analysis. Based on the available evidence, the clinical significance of this variant remains unclear.

Labcorp Genetics (formerly Invitae), Labcorp
Classification: Uncertain significance for Marfan syndrome; Familial thoracic aortic aneurysm and aortic dissection. Last evaluated: 2025-07-06. Review status: criteria provided, single submitter. Criteria: Invitae Variant Classification Sherloc (09022015). Collection method: clinical testing. Allele origin: germline.
Comment: This sequence change replaces lysine, which is basic and polar, with asparagine, which is neutral and polar, at codon 1360 of the FBN1 protein (p.Lys1360Asn). This variant is not present in population databases (gnomAD no frequency). This variant has not been reported in the literature in individuals affected with FBN1-related conditions. ClinVar contains an entry for this variant (Variation ID: 2773348). Invitae Evidence Modeling of protein sequence and biophysical properties (such as structural, functional, and spatial information, amino acid conservation, physicochemical variation, residue mobility, and thermodynamic stability) indicates that this missense variant is not expected to disrupt FBN1 protein function with a negative predictive value of 95%. In summary, the available evidence is currently insufficient to determine the role of this variant in disease. Therefore, it has been classified as a Variant of Uncertain Significance.

GeneDx
Classification: Uncertain significance. Last evaluated: 2024-11-19. Review status: criteria provided, single submitter. Criteria: GeneDx Variant Classification Process June 2021. Collection method: clinical testing. Allele origin: germline. Affected: yes.
Comment: Not observed at significant frequency in large population cohorts (gnomAD); In silico analysis supports that this missense variant has a deleterious effect on protein structure/function; Has not been previously published as pathogenic or benign to our knowledge; This variant is associated with the following publications: (PMID: 12938084)

Women's Health and Genetics/Laboratory Corporation of America, LabCorp
Classification: Uncertain significance. Last evaluated: 2024-07-15. Review status: criteria provided, single submitter. Criteria: LabCorp Variant Classification Summary - May 2015. Collection method: clinical testing. Allele origin: germline.
Comment: Variant summary: FBN1 c.4080G>T (p.Lys1360Asn) results in a non-conservative amino acid change located in the EGF-like domain (IPR000742) of the encoded protein sequence. Three of five in-silico tools predict a damaging effect of the variant on protein function. The variant was absent in 251418 control chromosomes. The available data on variant occurrences in the general population are insufficient to allow any conclusion about variant significance. To our knowledge, no occurrence of c.4080G>T in individuals affected with Aortopathy and no experimental evidence demonstrating its impact on protein function have been reported. ClinVar contains an entry for this variant (Variation ID: 2773348). Based on the evidence outlined above, the variant was classified as uncertain significance.

Color Diagnostics, LLC DBA Color Health
Classification: Uncertain significance for Familial thoracic aortic aneurysm and aortic dissection. Last evaluated: 2024-03-07. Review status: criteria provided, single submitter. Criteria: ACMG Guidelines, 2015. Collection method: clinical testing. Allele origin: germline.
Comment: This missense variant replaces lysine with asparagine at codon 1360 of the FBN1 protein. Computational prediction suggests that this variant may not impact protein structure and function (internally defined REVEL score threshold <= 0.5, PMID: 27666373). To our knowledge, functional studies have not been reported for this variant. This variant has not been reported in individuals affected with cardiovascular disorders in the literature. This variant has not been identified in the general population by the Genome Aggregation Database (gnomAD). The available evidence is insufficient to determine the role of this variant in disease conclusively. Therefore, this variant is classified as a Variant of Uncertain Significance.